The following is an entry in ClinVar:

ClinVar aggregate classification (germline): Uncertain significance (1 of 4 stars; one submission).

Allele frequency attached by ClinVar (database versions not stated): gnomAD exomes below 0.00001.
gnomAD v4.1: 1 of 1,614,178 alleles (0.000062%); highest among the groups gnomAD compares: African/African-American, 0.0013%; no homozygotes.

Submission:

Labcorp Genetics (formerly Invitae), Labcorp
Classification: Uncertain significance. Last evaluated: 2022-12-24. Review status: criteria provided, single submitter. Criteria: Invitae Variant Classification Sherloc (09022015). Collection method: clinical testing. Allele origin: germline.
Comment: In summary, the available evidence is currently insufficient to determine the role of this variant in disease. Therefore, it has been classified as a Variant of Uncertain Significance. Algorithms developed to predict the effect of missense changes on protein structure and function output the following: SIFT: "Tolerated"; PolyPhen-2: "Benign"; Align-GVGD: "Class C0". The alanine amino acid residue is found in multiple mammalian species, which suggests that this missense change does not adversely affect protein function. This variant has not been reported in the literature in individuals affected with ALPK3-related conditions. This variant is present in population databases (no rsID available, gnomAD 0.007%). This sequence change replaces valine, which is neutral and non-polar, with alanine, which is neutral and non-polar, at codon 982 of the ALPK3 protein (p.Val982Ala).

NM_020778.5(ALPK3):c.2339T>C (p.Val780Ala)

Gene: ALPK3 (alpha kinase 3; plus strand). Cytogenetic location: 15q25.3.
Variant type: single nucleotide variant.
Coding change: c.2339T>C on transcript NM_020778.5 (MANE Select); coding-DNA position 2339, T replaced by C.
Protein change: p.Val780Ala; replaces valine 780 with alanine.
Molecular consequence: missense variant.
Genome position (GRCh38, 1-based): chr15:84,857,077, T>C. VCF-style: chr15-84857077-T-C. GRCh37 (hg19) VCF-style: chr15-85400308-T-C.
Other names: short protein forms V780A.
Identifiers: ClinVar variation 2823894 (VCV002823894.3), dbSNP rs1377900795, ClinGen allele CA393356808.